The following is an entry in ClinVar:

ClinVar aggregate classification (germline): Pathogenic. Review status: criteria provided, multiple submitters, no conflicts (2 of 4 stars). 4 submissions from 4 submitters: Pathogenic (4). Last evaluated 2024-01-02.

Conditions:
Hereditary cancer-predisposing syndrome. Also called: Neoplastic Syndromes, Hereditary; Tumor predisposition; Hereditary Cancer Syndrome; Hereditary neoplastic syndrome. Identifiers: Orphanet 140162, MedGen C0027672, MeSH D009386, MONDO:0015356.
Hereditary breast ovarian cancer syndrome. Also called: BRCA1- and BRCA2-Associated Hereditary Breast and Ovarian Cancer; Hereditary breast and ovarian cancer syndrome; Hereditary breast and ovarian cancer; Hereditary breast and ovarian cancer syndrome (HBOC); Breast and ovarian cancer; Hereditary breast and/or ovarian cancer syndrome. Identifiers: Orphanet 145, MedGen C0677776, MeSH D061325, MONDO:0003582. Disease mechanism: loss of function.

Submissions (4):

GeneDx
Classification: Pathogenic. Last evaluated: 2024-01-02. Review status: criteria provided, single submitter. Criteria: GeneDx Variant Classification Process June 2021. Collection method: clinical testing. Allele origin: germline. Affected: yes.
Comment: Nonsense variant predicted to result in protein truncation or nonsense mediated decay in a gene for which loss of function is a known mechanism of disease; Observed in an individual with prostate cancer (PMID: 30625039); Not observed at significant frequency in large population cohorts (gnomAD); Truncating variants in this gene are considered pathogenic by a well-established clinical consortium and/or database; This variant is associated with the following publications: (PMID: 20104584, 30625039)

Ambry Genetics
Classification: Pathogenic for Hereditary cancer-predisposing syndrome. Last evaluated: 2023-11-02. Review status: criteria provided, single submitter. Criteria: Ambry Variant Classification Scheme 2023. Collection method: clinical testing. Allele origin: germline.
Comment: The c.3648dupT pathogenic mutation, located in coding exon 10 of the BRCA2 gene, results from a duplication of T at nucleotide position 3648, causing a translational frameshift with a predicted alternate stop codon (p.R1217*). This variant was identified in 1 of 419 individuals with metastatic prostate cancer undergoing germline analysis of DNA damage repair genes (Castro E et al. J Clin Oncol, 2019 Feb;37:490-503). This variant is considered to be rare based on population cohorts in the Genome Aggregation Database (gnomAD). This alteration is expected to result in loss of function by premature protein truncation or nonsense-mediated mRNA decay. As such, this alteration is interpreted as a disease-causing mutation.

Color Diagnostics, LLC DBA Color Health
Classification: Pathogenic for Hereditary cancer-predisposing syndrome. Last evaluated: 2020-10-12. Review status: criteria provided, single submitter. Criteria: ACMG Guidelines, 2015. Collection method: clinical testing. Allele origin: germline.
Comment: This variant inserts 1 nucleotide in exon 11 of the BRCA2 gene, creating a frameshift and premature translation stop signal. This variant is expected to result in an absent or non-functional protein product. To our knowledge, this variant has not been reported in individuals affected with hereditary cancer in the literature. This variant has not been identified in the general population by the Genome Aggregation Database (gnomAD). Loss of BRCA2 function is a known mechanism of disease. Based on the available evidence, this variant is classified as Pathogenic.

Labcorp Genetics (formerly Invitae), Labcorp
Classification: Pathogenic for Hereditary breast ovarian cancer syndrome. Last evaluated: 2019-09-12. Review status: criteria provided, single submitter. Criteria: Invitae Variant Classification Sherloc (09022015). Collection method: clinical testing. Allele origin: germline.
Comment: This variant has not been reported in the literature in individuals with BRCA2-related conditions. This variant is not present in population databases (ExAC no frequency). This sequence change creates a premature translational stop signal (p.Arg1217*) in the BRCA2 gene. It is expected to result in an absent or disrupted protein product. Loss-of-function variants in BRCA2 are known to be pathogenic (PMID: 20104584). For these reasons, this variant has been classified as Pathogenic.

Literature cited by the submitters: PubMed 30625039 (cited by Ambry Genetics); PubMed 20104584 (cited by Labcorp Genetics (formerly Invitae), Labcorp).

NM_000059.4(BRCA2):c.3648dup (p.Arg1217Ter)

Gene: BRCA2 (BRCA2 DNA repair associated; plus strand). Cytogenetic location: 13q13.1.
Variant type: Duplication.
Coding change: c.3648dup on transcript NM_000059.4 (MANE Select); coding-DNA position 3648, one base duplicated (T; older notation c.3648dupT).
Protein change: p.Arg1217Ter; replaces arginine 1217 with a stop codon.
Molecular consequence: nonsense.
Genome position (GRCh38, 1-based): chr13:32,338,003, T duplicated; the last of 3 consecutive T bases (chr13:32,338,001-32,338,003); duplicating any one gives the same sequence. VCF-style (leftmost placement, unchanged base first): chr13-32338000-G-GT. GRCh37 (hg19) VCF-style: chr13-32912137-G-GT.
Other names: c.3648dupT (NM_000059.3); short protein forms R1217*.
Identifiers: ClinVar variation 921289 (VCV000921289.13), dbSNP rs2072485514, ClinGen allele CA1139663157.